The following is an entry in ClinVar:

ClinVar aggregate classification (germline): Uncertain significance. Review status: criteria provided, multiple submitters, no conflicts (2 of 4 stars). 2 submissions from 2 submitters: Uncertain significance (2). Last evaluated 2025-05-18.

Conditions:
Inborn genetic diseases. Identifiers: MedGen C0950123, MeSH D030342.
BNC2-related disorder. Also called: BNC2-related condition.

Allele frequency attached by ClinVar (database versions not stated): gnomAD 0.00001; TOPMed 0.00002; ExAC 0.00003; gnomAD exomes 0.00004.
gnomAD v4.1: 55 of 1,614,054 alleles (0.0034%); highest among the groups gnomAD compares: Middle Eastern, 0.033%; no homozygotes.

Submissions (2):

Ambry Genetics
Classification: Uncertain significance for Inborn genetic diseases. Last evaluated: 2025-05-18. Review status: criteria provided, single submitter. Criteria: Ambry Variant Classification Scheme 2023. Collection method: clinical testing. Allele origin: germline.

PreventionGenetics, part of Exact Sciences
Classification: Uncertain significance for BNC2-related condition. Last evaluated: 2023-09-14. Review status: criteria provided, single submitter. Criteria: ACMG Guidelines, 2015. Collection method: clinical testing. Allele origin: germline.
Comment: The BNC2 c.982A>G variant is predicted to result in the amino acid substitution p.Ile328Val. To our knowledge, this variant has not been reported in the literature. This variant is reported in 0.0053% of alleles in individuals of European (Non-Finnish) descent in gnomAD. At this time, the clinical significance of this variant is uncertain due to the absence of conclusive functional and genetic evidence.

NM_017637.6(BNC2):c.982A>G (p.Ile328Val)

Gene: BNC2 (basonuclin zinc finger protein 2; minus strand). Cytogenetic location: 9p22.3.
Variant type: single nucleotide variant.
Coding change: c.982A>G on transcript NM_017637.6 (MANE Select); coding-DNA position 982, A replaced by G.
Protein change: p.Ile328Val; replaces isoleucine 328 with valine.
Molecular consequence: missense variant.
Genome position (GRCh38, 1-based): chr9:16,437,212, T>C on the plus strand (A>G on the coding strand, the complement: BNC2 is on the minus strand). VCF-style: chr9-16437212-T-C. GRCh37 (hg19) VCF-style: chr9-16437210-T-C.
Other names: c.856A>G, p.Ile286Val (NM_001317939.2); c.697A>G, p.Ile233Val (NM_001317940.2); short protein forms I233V, I286V, I328V.
Identifiers: ClinVar variation 2630663 (VCV002630663.2), dbSNP rs201353309, ClinGen allele CA4996146.